The following is an entry in ClinVar:

ClinVar aggregate classification (germline): Likely benign. Review status: criteria provided, single submitter (1 of 4 stars). 2 submissions from 2 submitters: Likely benign (1). 1 of the submissions does not count toward it. Last evaluated 2024-11-01.

Conditions:
FDFT1-related disorder. Also called: FDFT1-related condition.

Allele frequency attached by ClinVar (database versions not stated): gnomAD exomes 0.00001; TOPMed 0.00002.
gnomAD v4.1: 20 of 1,613,896 alleles (0.0012%); highest among the groups gnomAD compares: Middle Eastern, 0.016%; no homozygotes.

Submissions (2):

Blueprint Genetics
Classification: Likely benign. Last evaluated: 2024-11-01. Review status: criteria provided, single submitter. Criteria: ACMG Guidelines, 2015. Collection method: clinical testing. Allele origin: germline.

PreventionGenetics, part of Exact Sciences
Classification: Likely benign for FDFT1-related condition. Last evaluated: 2023-02-22. Review status: no assertion criteria provided. Collection method: clinical testing. Allele origin: germline. Not counted in ClinVar's aggregate classification.
Comment: This variant is classified as likely benign based on ACMG/AMP sequence variant interpretation guidelines (Richards et al. 2015 PMID: 25741868, with internal and published modifications).

NM_004462.5(FDFT1):c.174C>T (p.Ile58=)

Gene: FDFT1 (farnesyl-diphosphate farnesyltransferase 1). Cytogenetic location: 8p23.1.
Variant type: single nucleotide variant.
Coding change: c.174C>T on transcript NM_004462.5 (MANE Select); coding-DNA position 174, C replaced by T.
Protein change: p.Ile58=; no amino-acid change (isoleucine 58 retained).
Molecular consequence: synonymous variant. On other transcripts: 5 prime UTR variant (3), intron variant (1).
Genome position (GRCh38, 1-based): chr8:11,808,868, C>T. VCF-style: chr8-11808868-C-T. GRCh37 (hg19) VCF-style: chr8-11666377-C-T.
Other names: c.174C>T, p.Ile58= (NM_001287742.2, NM_001287743.2); c.-19C>T (NM_001287744.2, NM_001287745.2, NM_001287747.2 and 2 more transcripts); c.351C>T, p.Ile117= (NM_001287750.2); c.64+5958C>T (NM_001287756.2).
Identifiers: ClinVar variation 3029035 (VCV003029035.3), dbSNP rs1357196682, ClinGen allele CA459314007.